The following is an entry in ClinVar:

ClinVar aggregate classification (germline): Uncertain significance (1 of 4 stars; one submission).

Allele frequency attached by ClinVar (database versions not stated): gnomAD 0.00001; gnomAD exomes 0.00003; TOPMed 0.00003; ExAC 0.00004; 1000 Genomes Project 30x 0.00016; 1000 Genomes Project 0.00020.
gnomAD v4.1: 50 of 1,610,868 alleles (0.0031%); highest among the groups gnomAD compares: Non-Finnish European, 0.0035%; no homozygotes.

Submission:

Labcorp Genetics (formerly Invitae), Labcorp
Classification: Uncertain significance. Last evaluated: 2024-03-29. Review status: criteria provided, single submitter. Criteria: Invitae Variant Classification Sherloc (09022015). Collection method: clinical testing. Allele origin: germline.
Comment: This sequence change replaces valine, which is neutral and non-polar, with isoleucine, which is neutral and non-polar, at codon 684 of the MCM2 protein (p.Val684Ile). This variant is present in population databases (rs201200738, gnomAD 0.01%). This variant has not been reported in the literature in individuals affected with MCM2-related conditions. ClinVar contains an entry for this variant (Variation ID: 2186328). Advanced modeling of protein sequence and biophysical properties (such as structural, functional, and spatial information, amino acid conservation, physicochemical variation, residue mobility, and thermodynamic stability) performed at Invitae indicates that this missense variant is not expected to disrupt MCM2 protein function with a negative predictive value of 80%. In summary, the available evidence is currently insufficient to determine the role of this variant in disease. Therefore, it has been classified as a Variant of Uncertain Significance.

NM_004526.4(MCM2):c.2050G>A (p.Val684Ile)

Gene: MCM2 (minichromosome maintenance complex component 2; plus strand). Cytogenetic location: 3q21.3.
Variant type: single nucleotide variant.
Coding change: c.2050G>A on transcript NM_004526.4 (MANE Select); coding-DNA position 2050, G replaced by A.
Protein change: p.Val684Ile; replaces valine 684 with isoleucine.
Molecular consequence: missense variant. On other transcripts: non-coding transcript variant (1).
Genome position (GRCh38, 1-based): chr3:127,619,063, G>A. VCF-style: chr3-127619063-G-A. GRCh37 (hg19) VCF-style: chr3-127337906-G-A.
Other names: short protein forms V684I.
Identifiers: ClinVar variation 2186328 (VCV002186328.4), dbSNP rs201200738, ClinGen allele CA2596107.